The following is an entry in ClinVar:

ClinVar aggregate classification (germline): Pathogenic (1 of 4 stars; one submission).

Submission:

Labcorp Genetics (formerly Invitae), Labcorp
Classification: Pathogenic. Last evaluated: 2022-05-04. Review status: criteria provided, single submitter. Criteria: Invitae Variant Classification Sherloc (09022015). Collection method: clinical testing. Allele origin: germline.
Comment: Information on the frequency of this variant in the gnomAD database is not available, as this variant may be reported differently in the database. This sequence change creates a premature translational stop signal (p.Phe1974*) in the SZT2 gene. It is expected to result in an absent or disrupted protein product. Loss-of-function variants in SZT2 are known to be pathogenic (PMID: 23932106, 27248490, 28556953). This variant has not been reported in the literature in individuals affected with SZT2-related conditions. For these reasons, this variant has been classified as Pathogenic.

Literature cited by the submitters: PubMed 23932106; PubMed 27248490; PubMed 28556953.

NM_001365999.1(SZT2):c.6092_6093inv (p.Phe2031Ter)

Gene: SZT2 (SZT2 subunit of KICSTOR complex; plus strand). Cytogenetic location: 1p34.2.
Variant type: Inversion.
Coding change: c.6092_6093inv on transcript NM_001365999.1 (MANE Select).
Protein change: p.Phe2031Ter; replaces phenylalanine 2031 with a stop codon.
Molecular consequence: nonsense.
Genome position: GRCh38 VCF-style: chr1-43437228-TT-AA. GRCh37 (hg19) VCF-style: chr1-43902899-TT-AA.
Other names: c.5921_5922inv, p.Phe1974Ter (NM_015284.4); short protein forms F1974*, F2031*.
Identifiers: ClinVar variation 2118878 (VCV002118878.4), ClinGen allele CA2580062798.
Genomic context (GRCh38, chr1:43,437,228, plus strand): 5'-CAGATTATGCTGCTGATGAGAGCTGTGCGCCCCGTGGGTACCTGGCAGCCACAATGCAGT[TT>AA]GTCCCTGGCCATTTCTCCTGTGACGTTGTGTGGGGAACTGTGATCCGAGTCCATTCACGC-3'